The following is an entry in ClinVar:

ClinVar aggregate classification (germline): Uncertain significance (1 of 4 stars; one submission).

Submission:

Labcorp Genetics (formerly Invitae), Labcorp
Classification: Uncertain significance. Last evaluated: 2022-06-15. Review status: criteria provided, single submitter. Criteria: Invitae Variant Classification Sherloc (09022015). Collection method: clinical testing. Allele origin: germline.
Comment: This sequence change replaces aspartic acid, which is acidic and polar, with histidine, which is basic and polar, at codon 1030 of the DHX38 protein (p.Asp1030His). This variant is not present in population databases (gnomAD no frequency). This variant has not been reported in the literature in individuals affected with DHX38-related conditions. Algorithms developed to predict the effect of missense changes on protein structure and function are either unavailable or do not agree on the potential impact of this missense change (SIFT: "Deleterious"; PolyPhen-2: "Possibly Damaging"; Align-GVGD: "Class C0"). In summary, the available evidence is currently insufficient to determine the role of this variant in disease. Therefore, it has been classified as a Variant of Uncertain Significance.

NM_014003.4(DHX38):c.3088G>C (p.Asp1030His)

Genes: DHX38 (DEAH-box helicase 38; plus strand), LOC126862391 (CDK7 strongly-dependent group 2 enhancer GRCh37_chr16:72141414-72142613; plus strand). Cytogenetic location: 16q22.2.
Variant type: single nucleotide variant.
Coding change: c.3088G>C on transcript NM_014003.4 (MANE Select); coding-DNA position 3088, G replaced by C.
Protein change: p.Asp1030His; replaces aspartic acid 1030 with histidine.
Molecular consequence: missense variant.
Genome position (GRCh38, 1-based): chr16:72,108,350, G>C. VCF-style: chr16-72108350-G-C. GRCh37 (hg19) VCF-style: chr16-72142249-G-C.
Other names: short protein forms D1030H.
Identifiers: ClinVar variation 2007332 (VCV002007332.1), dbSNP rs201741501, ClinGen allele CA396715885.